The following is an entry in ClinVar:

NM_001711.6(BGN):c.293A>G (p.Gln98Arg)

Gene: BGN (biglycan; plus strand). Cytogenetic location: Xq28.
Variant type: single nucleotide variant.
Coding change: c.293A>G on transcript NM_001711.6 (MANE Select); coding-DNA position 293, A replaced by G.
Protein change: p.Gln98Arg; replaces glutamine 98 with arginine.
Molecular consequence: missense variant.
Genome position (GRCh38, 1-based): chrX:153,505,292, A>G. VCF-style: chrX-153505292-A-G. GRCh37 (hg19) VCF-style: chrX-152770750-A-G.
Other names: short protein forms Q98R.
Identifiers: ClinVar variation 2046005 (VCV002046005.4), dbSNP rs2521208535, ClinGen allele CA415068804.
Genomic context (GRCh38, chrX:153,505,292, plus strand): 5'-CCCTAGGTCTGAAGTCTGTGCCCAAAGAGATCTCCCCTGACACCACGCTGCTGGACCTGC[A>G]GAACAACGACATCTCCGAGCTCCGCAAGGATGACTTCAAGGGTCTCCAGCACCTCTACGT-3'
Protein context (NP_001702.1, residues 88-108): ISPDTTLLDL[Gln98Arg]NNDISELRKD

ClinVar aggregate classification (germline): Uncertain significance (1 of 4 stars; one submission).

Submission:

Labcorp Genetics (formerly Invitae), Labcorp
Classification: Uncertain significance. Last evaluated: 2022-09-22. Review status: criteria provided, single submitter. Criteria: Invitae Variant Classification Sherloc (09022015). Collection method: clinical testing. Allele origin: germline.
Comment: In summary, the available evidence is currently insufficient to determine the role of this variant in disease. Therefore, it has been classified as a Variant of Uncertain Significance. Algorithms developed to predict the effect of sequence changes on RNA splicing suggest that this variant may disrupt the consensus splice site. Advanced modeling of protein sequence and biophysical properties (such as structural, functional, and spatial information, amino acid conservation, physicochemical variation, residue mobility, and thermodynamic stability) performed at Invitae indicates that this missense variant is not expected to disrupt BGN protein function. This variant has not been reported in the literature in individuals affected with BGN-related conditions. This variant is not present in population databases (gnomAD no frequency). This sequence change replaces glutamine, which is neutral and polar, with arginine, which is basic and polar, at codon 98 of the BGN protein (p.Gln98Arg).